The following is an entry in ClinVar:

NM_002474.3(MYH11):c.2062G>C (p.Gly688Arg)

Gene: MYH11 (myosin heavy chain 11; minus strand). Cytogenetic location: 16p13.11.
Variant type: single nucleotide variant.
Coding change: c.2062G>C on transcript NM_002474.3 (MANE Select); coding-DNA position 2062, G replaced by C.
Protein change: p.Gly688Arg; replaces glycine 688 with arginine.
Molecular consequence: missense variant.
Genome position (GRCh38, 1-based): chr16:15,748,165, C>G on the plus strand (G>C on the coding strand, the complement: MYH11 is on the minus strand). VCF-style: chr16-15748165-C-G. GRCh37 (hg19) VCF-style: chr16-15842022-C-G.
Other names: c.2083G>C, p.Gly695Arg (NM_001040113.2, NM_001040114.2); c.2062G>C, p.Gly688Arg (NM_022844.3); short protein forms G695R, G688R.
Identifiers: ClinVar variation 2773850 (VCV002773850.2), dbSNP rs760793367, ClinGen allele CA394868302.
Genomic context (GRCh38, chr16:15,748,165, plus strand): 5'-TGCCTTCCAGCACCCCATTGCACCGCAGCTGCTCCAGCACCAGGAACGCATCCAGCTTGC[C>G]GGACTGCAAAGGTCAAAGAGGGCAGTGGATCCCTGGGGCCAGAAACCATGGCGCAGCAAA-3'
Protein context (NP_002465.1, residues 678-698): CIIPNHEKRS[Gly688Arg]KLDAFLVLEQ

ClinVar aggregate classification (germline): Uncertain significance (1 of 4 stars; one submission).

Conditions:
Familial thoracic aortic aneurysm and aortic dissection (TAAD). Also called: Thoracic aortic aneurysms and dissections. Identifiers: Orphanet 91387, MedGen C4707243, MONDO:0019625.

Submission:

Color Diagnostics, LLC DBA Color Health
Classification: Uncertain significance for Familial thoracic aortic aneurysm and aortic dissection. Last evaluated: 2024-03-06. Review status: criteria provided, single submitter. Criteria: ACMG Guidelines, 2015. Collection method: clinical testing. Allele origin: germline.
Comment: This missense variant replaces glycine with arginine at codon 695 of the MYH11 protein. Computational prediction suggests that this variant may have deleterious impact on protein structure and function (internally defined REVEL score threshold >= 0.7, PMID: 27666373). To our knowledge, functional studies have not been reported for this variant. This variant has not been reported in individuals affected with cardiovascular disorders in the literature. This variant has not been identified in the general population by the Genome Aggregation Database (gnomAD). The available evidence is insufficient to determine the role of this variant in disease conclusively. Therefore, this variant is classified as a Variant of Uncertain Significance.